The following is an entry in ClinVar:

NM_006343.3(MERTK):c.1358A>C (p.His453Pro)

Gene: MERTK (MER proto-oncogene, tyrosine kinase; plus strand). Cytogenetic location: 2q13.
Variant type: single nucleotide variant.
Coding change: c.1358A>C on transcript NM_006343.3 (MANE Select); coding-DNA position 1358, A replaced by C.
Protein change: p.His453Pro; replaces histidine 453 with proline.
Molecular consequence: missense variant.
Genome position (GRCh38, 1-based): chr2:111,994,312, A>C. VCF-style: chr2-111994312-A-C. GRCh37 (hg19) VCF-style: chr2-112751889-A-C.
Other names: short protein forms H453P.
Identifiers: ClinVar variation 2105468 (VCV002105468.4), dbSNP rs1416665110, ClinGen allele CA348229951.

ClinVar aggregate classification (germline): Uncertain significance (1 of 4 stars; one submission).

Submission:

Labcorp Genetics (formerly Invitae), Labcorp
Classification: Uncertain significance. Last evaluated: 2024-12-02. Review status: criteria provided, single submitter. Criteria: Invitae Variant Classification Sherloc (09022015). Collection method: clinical testing. Allele origin: germline.
Comment: This sequence change replaces histidine, which is basic and polar, with proline, which is neutral and non-polar, at codon 453 of the MERTK protein (p.His453Pro). This variant is not present in population databases (gnomAD no frequency). This variant has not been reported in the literature in individuals affected with MERTK-related conditions. ClinVar contains an entry for this variant (Variation ID: 2105468). Invitae Evidence Modeling of protein sequence and biophysical properties (such as structural, functional, and spatial information, amino acid conservation, physicochemical variation, residue mobility, and thermodynamic stability) has been performed for this missense variant. However, the output from this modeling did not meet the statistical confidence thresholds required to predict the impact of this variant on MERTK protein function. In summary, the available evidence is currently insufficient to determine the role of this variant in disease. Therefore, it has been classified as a Variant of Uncertain Significance.